The following is an entry in ClinVar:

NM_012330.4(KAT6B):c.476C>G (p.Ala159Gly)

Gene: KAT6B (lysine acetyltransferase 6B; plus strand). Cytogenetic location: 10q22.2.
Variant type: single nucleotide variant.
Coding change: c.476C>G on transcript NM_012330.4 (MANE Select); coding-DNA position 476, C replaced by G.
Protein change: p.Ala159Gly; replaces alanine 159 with glycine.
Molecular consequence: missense variant. On other transcripts: 5 prime UTR variant (2).
Genome position (GRCh38, 1-based): chr10:74,843,333, C>G. VCF-style: chr10-74843333-C-G. GRCh37 (hg19) VCF-style: chr10-76603091-C-G.
Other names: c.476C>G, p.Ala159Gly (NM_001256468.2, NM_001256469.2, NM_001370132.1 and 10 more transcripts); c.-63C>G (NM_001370134.1, NM_001370135.1); short protein forms A159G.
Identifiers: ClinVar variation 2878847 (VCV002878847.3), dbSNP rs2548336058, ClinGen allele CA377400120.

ClinVar aggregate classification (germline): Uncertain significance (1 of 4 stars; one submission).

Conditions:
Genitopatellar syndrome (GTPTS). Also called: Genitopatellar syndrome (GPS); ABSENT PATELLAE, SCROTAL HYPOPLASIA, RENAL ANOMALIES, FACIAL DYSMORPHISM, AND MENTAL RETARDATION. Identifiers: Orphanet 85201, MedGen C1853566, MONDO:0011640, OMIM 606170.

Allele frequency attached by ClinVar (database versions not stated): gnomAD exomes below 0.00001.
gnomAD v4.1: 1 of 1,613,418 alleles (0.000062%); highest among the groups gnomAD compares: South Asian, 0.0011%; no homozygotes.

Submission:

Labcorp Genetics (formerly Invitae), Labcorp
Classification: Uncertain significance for Genitopatellar syndrome. Last evaluated: 2022-12-07. Review status: criteria provided, single submitter. Criteria: Invitae Variant Classification Sherloc (09022015). Collection method: clinical testing. Allele origin: germline.
Comment: This sequence change replaces alanine, which is neutral and non-polar, with glycine, which is neutral and non-polar, at codon 159 of the KAT6B protein (p.Ala159Gly). This variant is not present in population databases (gnomAD no frequency). This variant has not been reported in the literature in individuals affected with KAT6B-related conditions. Advanced modeling of protein sequence and biophysical properties (such as structural, functional, and spatial information, amino acid conservation, physicochemical variation, residue mobility, and thermodynamic stability) performed at Invitae indicates that this missense variant is not expected to disrupt KAT6B protein function. In summary, the available evidence is currently insufficient to determine the role of this variant in disease. Therefore, it has been classified as a Variant of Uncertain Significance.